The following is an entry in ClinVar:

ClinVar aggregate classification (germline): Pathogenic (1 of 4 stars; one submission).

Submission:

Labcorp Genetics (formerly Invitae), Labcorp
Classification: Pathogenic. Last evaluated: 2022-03-16. Review status: criteria provided, single submitter. Criteria: Invitae Variant Classification Sherloc (09022015). Collection method: clinical testing. Allele origin: germline.
Comment: This sequence change creates a premature translational stop signal (p.Asp349Metfs*6) in the TRMU gene. While this is not anticipated to result in nonsense mediated decay, it is expected to disrupt the last 73 amino acid(s) of the TRMU protein. This variant is not present in population databases (gnomAD no frequency). This variant has not been reported in the literature in individuals affected with TRMU-related conditions. This variant disrupts a region of the TRMU protein in which other variant(s) (p.Gln358_Val360dup) have been determined to be pathogenic (PMID: 21169334, 30369941). This suggests that this is a clinically significant region of the protein, and that variants that disrupt it are likely to be disease-causing. For these reasons, this variant has been classified as Pathogenic.

Literature cited by the submitters: PubMed 21169334; PubMed 30369941.

NM_018006.5(TRMU):c.1045del (p.Asp349fs)

Gene: TRMU (tRNA mitochondrial 2-thiouridylase; plus strand). Cytogenetic location: 22q13.31.
Variant type: Deletion.
Coding change: c.1045del on transcript NM_018006.5 (MANE Select); coding-DNA position 1045, one base deleted (G; older notation c.1045delG).
Protein change: p.Asp349fs; shifts the reading frame from aspartic acid 349.
Molecular consequence: frameshift variant. On other transcripts: non-coding transcript variant (2), intron variant (2).
Genome position (GRCh38, 1-based): chr22:46,356,016, G deleted. VCF-style (leftmost placement, unchanged base first): chr22-46356015-AG-A. GRCh37 (hg19) VCF-style: chr22-46751912-AG-A.
Other names: c.*489delG (NM_001008568.2); c.*583delG (NM_001008570.2); c.703del, p.Asp235fs (NM_001282782.2); c.625del, p.Asp209fs (NM_001282783.2); c.1018+428del (NM_001282785.2); c.598+428del (NM_001282784.2); short protein forms D209fs, D235fs, D349fs.
Identifiers: ClinVar variation 2113146 (VCV002113146.4), dbSNP rs2518216310, ClinGen allele CA2580099902.